The following is an entry in ClinVar:

NM_001039141.3(TRIOBP):c.5380-14C>T

Genes: TRIOBP (TRIO and F-actin binding protein; plus strand), LOC126863145 (CDK7 strongly-dependent group 2 enhancer GRCh37_chr22:38150829-38152028; plus strand). Cytogenetic location: 22q13.1.
Variant type: single nucleotide variant.
Coding change: c.5380-14C>T on transcript NM_001039141.3 (MANE Select); 14 bases into the intron before coding-DNA position 5380, C replaced by T.
Molecular consequence: intron variant.
Genome position (GRCh38, 1-based): chr22:37,754,863, C>T. VCF-style: chr22-37754863-C-T. GRCh37 (hg19) VCF-style: chr22-38150870-C-T.
Other names: c.241-14C>T (NM_007032.5, NM_138632.2).
Identifiers: ClinVar variation 504693 (VCV000504693.12), dbSNP rs182214887, ClinGen allele CA10224672.

ClinVar aggregate classification (germline): Benign/Likely benign. Review status: criteria provided, multiple submitters, no conflicts (2 of 4 stars). 4 submissions from 4 submitters: Benign (1); Likely benign (3). Last evaluated 2025-08-26.

Allele frequency attached by ClinVar (database versions not stated): gnomAD exomes 0.00010 and 0.00029; ExAC 0.00035; 1000 Genomes Project 30x 0.00062; 1000 Genomes Project 0.00080; gnomAD 0.00113 and 0.00123; TOPMed 0.00143; ESP Exome Variant Server 0.00185.
gnomAD v4.1: 327 of 1,613,284 alleles (0.02%); highest among the groups gnomAD compares: African/African-American, 0.39%; 2 homozygotes.

Submissions (4):

Labcorp Genetics (formerly Invitae), Labcorp
Classification: Benign. Last evaluated: 2025-08-26. Review status: criteria provided, single submitter. Criteria: Invitae Variant Classification Sherloc (09022015). Collection method: clinical testing. Allele origin: germline.

Blueprint Genetics
Classification: Likely benign. Last evaluated: 2024-01-23. Review status: criteria provided, single submitter. Criteria: ACMG Guidelines, 2015. Collection method: clinical testing. Allele origin: germline.

GeneDx
Classification: Likely benign. Last evaluated: 2021-09-04. Review status: criteria provided, single submitter. Criteria: GeneDx Variant Classification Process June 2021. Collection method: clinical testing. Allele origin: germline. Affected: yes.

Laboratory for Molecular Medicine, Mass General Brigham Personalized Medicine
Classification: Likely benign. Last evaluated: 2018-01-30. Review status: criteria provided, single submitter. Criteria: LMM Criteria. Collection method: clinical testing. Allele origin: germline. Observed: 1 variant allele.
Comment: 5380-14C>T in Intron 12 of TRIOBP: This variant is not expected to have clinical significance because it has been identified in 0.4% (97/24032) of African Ameri can chromosomes by the Genome Aggregation Database (gnomAD; dbSNP rs182214887).